The following is an entry in ClinVar:

NM_004393.6(DAG1):c.59T>A (p.Leu20His)

Gene: DAG1 (dystroglycan 1; plus strand). Cytogenetic location: 3p21.31.
Variant type: single nucleotide variant.
Coding change: c.59T>A on transcript NM_004393.6 (MANE Select); coding-DNA position 59, T replaced by A.
Protein change: p.Leu20His; replaces leucine 20 with histidine.
Molecular consequence: missense variant.
Genome position (GRCh38, 1-based): chr3:49,510,593, T>A. VCF-style: chr3-49510593-T-A. GRCh37 (hg19) VCF-style: chr3-49548026-T-A.
Other names: c.59T>A, p.Leu20His (NM_001165928.4, NM_001177634.3, NM_001177635.3 and 9 more transcripts); short protein forms L20H.
Identifiers: ClinVar variation 2414613 (VCV002414613.7), dbSNP rs2472164281, ClinGen allele CA352800108.

ClinVar aggregate classification (germline): Uncertain significance (1 of 4 stars; one submission).

Conditions:
Muscular dystrophy-dystroglycanopathy (congenital with brain and eye anomalies), type A9. Also called: WALKER-WARBURG SYNDROME OR MUSCLE-EYE BRAIN DISEASE, DAG1-RELATED; Muscular dystrophy-dystroglycanopathy (congenital with brain and eye anomalies), type a, 9. Identifiers: Orphanet 370997, Orphanet 899, MedGen C4225291, MONDO:0014683, OMIM 616538.
Autosomal recessive limb-girdle muscular dystrophy type 2P. Also called: MUSCULAR DYSTROPHY-DYSTROGLYCANOPATHY, LIMB-GIRDLE, DAG1-RELATED; Limb-Girdle Muscular Dystrophy Type 9C; MUSCULAR DYSTROPHY, LIMB-GIRDLE, TYPE 2P. Identifiers: Orphanet 280333, MedGen C4511963, MONDO:0013440, OMIM 613818.

Submission:

Labcorp Genetics (formerly Invitae), Labcorp
Classification: Uncertain significance for Autosomal recessive limb-girdle muscular dystrophy type 2P; Muscular dystrophy-dystroglycanopathy (congenital with brain and eye anomalies), type A9. Last evaluated: 2025-10-27. Review status: criteria provided, single submitter. Criteria: Invitae Variant Classification Sherloc (09022015). Collection method: clinical testing. Allele origin: germline.
Comment: This sequence change replaces leucine, which is neutral and non-polar, with histidine, which is basic and polar, at codon 20 of the DAG1 protein (p.Leu20His). This variant is not present in population databases (gnomAD no frequency). This variant has not been reported in the literature in individuals affected with DAG1-related conditions. ClinVar contains an entry for this variant (Variation ID: 2414613). Invitae Evidence Modeling of protein sequence and biophysical properties (such as structural, functional, and spatial information, amino acid conservation, physicochemical variation, residue mobility, and thermodynamic stability) indicates that this missense variant is not expected to disrupt DAG1 protein function with a negative predictive value of 80%. In summary, the available evidence is currently insufficient to determine the role of this variant in disease. Therefore, it has been classified as a Variant of Uncertain Significance.